The following is an entry in ClinVar:

NM_002253.4(KDR):c.1247T>C (p.Val416Ala)

Gene: KDR (kinase insert domain receptor; minus strand). Cytogenetic location: 4q12.
Variant type: single nucleotide variant.
Coding change: c.1247T>C on transcript NM_002253.4 (MANE Select); coding-DNA position 1247, T replaced by C.
Protein change: p.Val416Ala; replaces valine 416 with alanine.
Molecular consequence: missense variant.
Genome position (GRCh38, 1-based): chr4:55,110,411, A>G on the plus strand (T>C on the coding strand, the complement: KDR is on the minus strand). VCF-style: chr4-55110411-A-G. GRCh37 (hg19) VCF-style: chr4-55976578-A-G.
Other names: short protein forms V416A.
Identifiers: ClinVar variation 3113923 (VCV003113923.2), dbSNP rs751603128, ClinGen allele CA2924777.

ClinVar aggregate classification (germline): Uncertain significance. Review status: criteria provided, multiple submitters, no conflicts (2 of 4 stars). 2 submissions from 2 submitters: Uncertain significance (2). Last evaluated 2025-05-25.

Conditions:
Capillary infantile hemangioma. Also called: HEMANGIOMA, HEREDITARY CAPILLARY; Hemangioma, capillary infantile, somatic; Hereditary capillary infantile hemangioma. Identifiers: MedGen C1865871, MONDO:0011191, OMIM 602089.

Allele frequency attached by ClinVar (database versions not stated): ExAC 0.00001; gnomAD exomes 0.00004; TOPMed 0.00005.

Submissions (2):

Clinical Genomics Laboratory, Washington University in St. Louis
Classification: Uncertain significance for Capillary infantile hemangioma. Last evaluated: 2025-05-25. Review status: criteria provided, single submitter. Criteria: ACMG Guidelines, 2015. Collection method: clinical testing. Allele origin: germline.
Comment: A KDR c.1247T>C (p.Val416Ala) variant was identified at a near heterozygous allelic fraction of 47.2%, a frequency which may be consistent with it being of germline origin. This variant, to our knowledge, has not been reported in the medical literature. This variant has been reported in the ClinVar database as a germline variant of uncertain significance by one submitter (ClinVar Variation ID: 3113923). This variant is observed on 60/1,613,902 alleles in the general population (gnomAD v4.1.0). Computational predictors are uncertain as to the impact of this variant on KDR function. Due to limited information, and based on ACMG/AMP guidelines for variant interpretation (Richards S et al., PMID: 25741868), the clinical significance of this variant is uncertain at this time.

Ambry Genetics
Classification: Uncertain significance. Last evaluated: 2023-12-14. Review status: criteria provided, single submitter. Criteria: Ambry Variant Classification Scheme 2023. Collection method: clinical testing. Allele origin: germline.